The following is an entry in ClinVar:

ClinVar aggregate classification (germline): Uncertain significance (1 of 4 stars; one submission).

Conditions:
Deafness-lymphedema-leukemia syndrome. Also called: Lymphedema, primary, with myelodysplasia; Emberger syndrome. Identifiers: Orphanet 3226, MedGen C3279664, MONDO:0013540, OMIM 614038.
Monocytopenia with susceptibility to infections. Also called: IMMUNODEFICIENCY 21; MONOCYTOPENIA AND MYCOBACTERIAL INFECTION SYNDROME; MONOCYTOPENIA WITH SUSCEPTIBILITY TO MYCOBACTERIAL, FUNGAL, AND PAPILLOMAVIRUS INFECTIONS AND MYELODYSPLASIA; COMBINED IMMUNODEFICIENCY WITH SUSCEPTIBILITY TO MYCOBACTERIAL, VIRAL, AND FUNGAL INFECTIONS; Dendritic cell, monocyte, B lymphocyte, and natural killer lymphocyte deficiency; GATA2 DEFICIENCY. Identifiers: Orphanet 228423, MedGen C3280030, MONDO:0013607, OMIM 614172.

Allele frequency attached by ClinVar (database versions not stated): gnomAD exomes below 0.00001.
gnomAD v4.1: 1 of 1,613,718 alleles (0.000062%); highest among the groups gnomAD compares: Non-Finnish European, 0.000085%; no homozygotes.

Submission:

Labcorp Genetics (formerly Invitae), Labcorp
Classification: Uncertain significance for Monocytopenia with susceptibility to infections; Deafness-lymphedema-leukemia syndrome. Last evaluated: 2022-01-20. Review status: criteria provided, single submitter. Criteria: Invitae Variant Classification Sherloc (09022015). Collection method: clinical testing. Allele origin: germline.
Comment: In summary, the available evidence is currently insufficient to determine the role of this variant in disease. Therefore, it has been classified as a Variant of Uncertain Significance. Algorithms developed to predict the effect of missense changes on protein structure and function are either unavailable or do not agree on the potential impact of this missense change (SIFT: "Tolerated"; PolyPhen-2: "Probably Damaging"; Align-GVGD: "Class C0"). This variant has not been reported in the literature in individuals affected with GATA2-related conditions. This variant is not present in population databases (gnomAD no frequency). This sequence change replaces threonine, which is neutral and polar, with serine, which is neutral and polar, at codon 311 of the GATA2 protein (p.Thr311Ser).

NM_032638.5(GATA2):c.931A>T (p.Thr311Ser)

Gene: GATA2 (GATA binding protein 2; minus strand). Cytogenetic location: 3q21.3.
Variant type: single nucleotide variant.
Coding change: c.931A>T on transcript NM_032638.5 (MANE Select); coding-DNA position 931, A replaced by T.
Protein change: p.Thr311Ser; replaces threonine 311 with serine.
Molecular consequence: missense variant.
Genome position (GRCh38, 1-based): chr3:128,483,946, T>A on the plus strand (A>T on the coding strand, the complement: GATA2 is on the minus strand). VCF-style: chr3-128483946-T-A. GRCh37 (hg19) VCF-style: chr3-128202789-T-A.
Other names: c.931A>T, p.Thr311Ser (NM_001145661.2, NM_001145662.1); short protein forms T311S.
Identifiers: ClinVar variation 2088409 (VCV002088409.4), dbSNP rs767135651, ClinGen allele CA354404630.